The following is an entry in ClinVar:

ClinVar aggregate classification (germline): Uncertain significance (1 of 4 stars; one submission).

Allele frequency attached by ClinVar (database versions not stated): gnomAD exomes 0.00001 and 0.00002; gnomAD 0.00002; ExAC 0.00003; TOPMed 0.00004; 1000 Genomes Project 30x 0.00016; 1000 Genomes Project 0.00020.
gnomAD v4.1: 16 of 1,613,878 alleles (0.00099%); highest among the groups gnomAD compares: African/African-American, 0.011%; no homozygotes.

Submission:

Labcorp Genetics (formerly Invitae), Labcorp
Classification: Uncertain significance. Last evaluated: 2020-01-27. Review status: criteria provided, single submitter. Criteria: Invitae Variant Classification Sherloc (09022015). Collection method: clinical testing. Allele origin: germline.
Comment: Algorithms developed to predict the effect of missense changes on protein structure and function (SIFT, PolyPhen-2, Align-GVGD) all suggest that this variant is likely to be disruptive, but these predictions have not been confirmed by published functional studies and their clinical significance is uncertain. In summary, the available evidence is currently insufficient to determine the role of this variant in disease. Therefore, it has been classified as a Variant of Uncertain Significance. This variant has not been reported in the literature in individuals with MGP-related conditions. This variant is present in population databases (rs550754490, ExAC 0.02%). This sequence change replaces glutamic acid with lysine at codon 67 of the MGP protein (p.Glu67Lys). The glutamic acid residue is highly conserved and there is a small physicochemical difference between glutamic acid and lysine.

NM_000900.5(MGP):c.199G>A (p.Glu67Lys)

Gene: MGP (matrix Gla protein; minus strand). Cytogenetic location: 12p12.3.
Variant type: single nucleotide variant.
Coding change: c.199G>A on transcript NM_000900.5 (MANE Select); coding-DNA position 199, G replaced by A.
Protein change: p.Glu67Lys; replaces glutamic acid 67 with lysine.
Molecular consequence: missense variant.
Genome position (GRCh38, 1-based): chr12:14,882,252, C>T on the plus strand (G>A on the coding strand, the complement: MGP is on the minus strand). VCF-style: chr12-14882252-C-T. GRCh37 (hg19) VCF-style: chr12-15035186-C-T.
Other names: c.274G>A, p.Glu92Lys (NM_001190839.3); short protein forms E67K, E92K.
Identifiers: ClinVar variation 1000174 (VCV001000174.9), dbSNP rs550754490, ClinGen allele CA6465145.
Genomic context (GRCh38, chr12:14,882,252, plus strand): 5'-CATAAACCATGGCGTAGCGTTCGCAAAGTCTGTAGTCATCACAGGCTTCCCTATTGAGCT[C>T]GTGGACAGGCTTAGAGCGTTCTCGGATCCTAGAAAGTGGAAGAAGAGGCCAAAATTGAGA-3'
Protein context (NP_000891.2, residues 57-77): RIRERSKPVH[Glu67Lys]LNREACDDYR